The following is an entry in ClinVar:

NM_032043.3(BRIP1):c.3444C>T (p.Asp1148=)

Gene: BRIP1 (BRCA1 interacting DNA helicase 1; minus strand). Cytogenetic location: 17q23.2.
Variant type: single nucleotide variant.
Coding change: c.3444C>T on transcript NM_032043.3 (MANE Select); coding-DNA position 3444, C replaced by T.
Protein change: p.Asp1148=; no amino-acid change (aspartic acid 1148 retained).
Molecular consequence: synonymous variant.
Genome position (GRCh38, 1-based): chr17:61,683,602, G>A on the plus strand (C>T on the coding strand, the complement: BRIP1 is on the minus strand). VCF-style: chr17-61683602-G-A. GRCh37 (hg19) VCF-style: chr17-59760963-G-A.
Identifiers: ClinVar variation 1149980 (VCV001149980.13), dbSNP rs28997573, ClinGen allele CA501335021.

ClinVar aggregate classification (germline): Benign/Likely benign. Review status: criteria provided, multiple submitters, no conflicts (2 of 4 stars). 3 submissions from 3 submitters: Benign (1); Likely benign (2). Last evaluated 2026-01-26.

Conditions:
Familial cancer of breast. Also called: BREAST CANCER, FAMILIAL; Hereditary breast cancer; hereditary breast carcinoma. Identifiers: Orphanet 227535, MedGen C0346153, MONDO:0016419, OMIM 114480. Disease mechanism: loss of function.
Hereditary cancer-predisposing syndrome. Also called: Hereditary Cancer Syndrome; Hereditary neoplastic syndrome; Neoplastic Syndromes, Hereditary; Tumor predisposition. Identifiers: Orphanet 140162, MedGen C0027672, MeSH D009386, MONDO:0015356.
Fanconi anemia complementation group J. Also called: BRIP1-Related Fanconi Anemia. Identifiers: Orphanet 84, MedGen C1836860, MONDO:0012187, OMIM 609054.

gnomAD v4.1: 2 of 1,612,028 alleles (0.00012%); highest among the groups gnomAD compares: Non-Finnish European, 0.00017%; no homozygotes.

Submissions (3):

Labcorp Genetics (formerly Invitae), Labcorp
Classification: Likely benign for Familial cancer of breast; Fanconi anemia complementation group J. Last evaluated: 2026-01-26. Review status: criteria provided, single submitter. Criteria: Invitae Variant Classification Sherloc (09022015). Collection method: clinical testing. Allele origin: germline.

Myriad Genetics, Inc.
Classification: Benign for Familial cancer of breast. Last evaluated: 2024-09-10. Review status: criteria provided, single submitter. Criteria: Myriad Autosomal Dominant, Autosomal Recessive and X-Linked Classification Criteria (2023). Collection method: clinical testing. Allele origin: unknown.
Comment: This variant is considered benign. This variant is a silent/synonymous amino acid change and it is not expected to impact splicing.

Ambry Genetics
Classification: Likely benign for Hereditary cancer-predisposing syndrome. Last evaluated: 2021-10-05. Review status: criteria provided, single submitter. Criteria: Ambry Variant Classification Scheme 2023. Collection method: clinical testing. Allele origin: germline.